The following is an entry in ClinVar:

NM_015316.3(PPP1R13B):c.215G>A (p.Arg72Gln)

Gene: PPP1R13B (protein phosphatase 1 regulatory subunit 13B; minus strand). Cytogenetic location: 14q32.33.
Variant type: single nucleotide variant.
Coding change: c.215G>A on transcript NM_015316.3 (MANE Select); coding-DNA position 215, G replaced by A.
Protein change: p.Arg72Gln; replaces arginine 72 with glutamine.
Molecular consequence: missense variant.
Genome position (GRCh38, 1-based): chr14:103,784,857, C>T on the plus strand (G>A on the coding strand, the complement: PPP1R13B is on the minus strand). VCF-style: chr14-103784857-C-T. GRCh37 (hg19) VCF-style: chr14-104251194-C-T.
Other names: short protein forms R72Q.
Identifiers: ClinVar variation 208406 (VCV000208406.3), dbSNP rs863223358, ClinGen allele CA279862.

ClinVar aggregate classification (germline): Benign (1 of 4 stars; one submission).

Conditions:
Childhood-onset schizophrenia. Also called: Childhood schizophrenia. Identifiers: Orphanet 641496, MedGen C0036346, MONDO:0957430.

Allele frequency attached by ClinVar (database versions not stated): TOPMed below 0.00001; gnomAD exomes 0.00001 and 0.00002.
gnomAD v4.1: 17 of 1,607,402 alleles (0.0011%); highest among the groups gnomAD compares: Admixed American, 0.0017%; no homozygotes.

Submission:

Dr. Guy Rouleau's laboratory, McGill University
Classification: Benign for Childhood Onset Schizophrenia. Last evaluated: 2014-01-01. Review status: criteria provided, single submitter. Criteria: Submitter's publication. Collection method: research. Allele origin: de novo. Affected: yes. Observed: 1 variant allele.
Comment: Identified by next generation sequencing